The following is an entry in ClinVar:

ClinVar aggregate classification (germline): Conflicting classifications of pathogenicity. Review status: criteria provided, conflicting classifications (1 of 4 stars). 3 submissions from 3 submitters: Uncertain significance (1); Likely benign (2). Last evaluated 2024-05-29.

Allele frequency attached by ClinVar (database versions not stated): TOPMed 0.00015; 1000 Genomes Project 30x 0.00016; gnomAD exomes 0.00019; ExAC 0.00026.
gnomAD v4.1: 227 of 1,612,294 alleles (0.014%); highest among the groups gnomAD compares: Non-Finnish European, 0.016%; no homozygotes.

Submissions (3):

Blueprint Genetics
Classification: Likely benign. Last evaluated: 2024-05-29. Review status: criteria provided, single submitter. Criteria: ACMG Guidelines, 2015. Collection method: clinical testing. Allele origin: germline.

Ambry Genetics
Classification: Likely benign. Last evaluated: 2023-01-11. Review status: criteria provided, single submitter. Criteria: Ambry Variant Classification Scheme 2023. Collection method: clinical testing. Allele origin: germline.

Labcorp Genetics (formerly Invitae), Labcorp
Classification: Uncertain significance. Last evaluated: 2022-07-19. Review status: criteria provided, single submitter. Criteria: Invitae Variant Classification Sherloc (09022015). Collection method: clinical testing. Allele origin: germline.
Comment: This sequence change replaces glutamic acid, which is acidic and polar, with glutamine, which is neutral and polar, at codon 191 of the IL2RB protein (p.Glu191Gln). This variant is present in population databases (rs541405891, gnomAD 0.03%). This variant has not been reported in the literature in individuals affected with IL2RB-related conditions. ClinVar contains an entry for this variant (Variation ID: 1431036). Algorithms developed to predict the effect of missense changes on protein structure and function output the following: SIFT: "Tolerated"; PolyPhen-2: "Benign"; Align-GVGD: "Class C0". The glutamine amino acid residue is found in multiple mammalian species, which suggests that this missense change does not adversely affect protein function. In summary, the available evidence is currently insufficient to determine the role of this variant in disease. Therefore, it has been classified as a Variant of Uncertain Significance.

NM_000878.5(IL2RB):c.571G>C (p.Glu191Gln)

Gene: IL2RB (interleukin 2 receptor subunit beta; minus strand). Cytogenetic location: 22q12.3.
Variant type: single nucleotide variant.
Coding change: c.571G>C on transcript NM_000878.5 (MANE Select); coding-DNA position 571, G replaced by C.
Protein change: p.Glu191Gln; replaces glutamic acid 191 with glutamine.
Molecular consequence: missense variant.
Genome position (GRCh38, 1-based): chr22:37,136,360, C>G on the plus strand (G>C on the coding strand, the complement: IL2RB is on the minus strand). VCF-style: chr22-37136360-C-G. GRCh37 (hg19) VCF-style: chr22-37532400-C-G.
Other names: c.571G>C, p.Glu191Gln (NM_001346222.1, NM_001346223.2); c.571G>C (NM_000878.2); short protein forms E191Q.
Identifiers: ClinVar variation 1431036 (VCV001431036.5), dbSNP rs541405891, ClinGen allele CA10216578.